The following is an entry in ClinVar:

NM_020297.4(ABCC9):c.*19T>C

Genes: ABCC9 (ATP binding cassette subfamily C member 9; minus strand), KCNJ8-AS1 (KCNJ8 antisense RNA 1; plus strand). Cytogenetic location: 12p12.1.
Variant type: single nucleotide variant.
Coding change: c.*19T>C on transcript NM_020297.4 (MANE Select); 19 bases downstream of the stop codon, T replaced by C.
Molecular consequence: 3 prime UTR variant.
Genome position (GRCh38, 1-based): chr12:21,801,025, A>G on the plus strand (T>C on the coding strand, the complement: ABCC9 is on the minus strand). VCF-style: chr12-21801025-A-G. GRCh37 (hg19) VCF-style: chr12-21953959-A-G.
Other names: c.*19T>C (NM_001377273.1, NM_001377274.1); c.*195T>C (NM_005691.4).
Identifiers: ClinVar variation 379564 (VCV000379564.7), dbSNP rs114906131, ClinGen allele CA6480766.

ClinVar aggregate classification (germline): Benign. Review status: criteria provided, single submitter (1 of 4 stars). 4 submissions from 4 submitters: Benign (1). 3 of the submissions do not count toward it. Last evaluated 2016-11-21.

Allele frequency attached by ClinVar (database versions not stated): gnomAD exomes 0.00086 and 0.00226; ExAC 0.00273; gnomAD 0.00862 and 0.00935; 1000 Genomes Project 0.00919; 1000 Genomes Project 30x 0.00937; ESP Exome Variant Server 0.00992; TOPMed 0.00996.
gnomAD v4.1: 2,629 of 1,613,438 alleles (0.16%); highest among the groups gnomAD compares: African/African-American, 3%; 39 homozygotes.

Submissions (4):

GeneDx
Classification: Benign. Last evaluated: 2016-11-21. Review status: criteria provided, single submitter. Criteria: GeneDx Variant Classification (06012015). Collection method: clinical testing. Allele origin: germline. Affected: yes.
Comment: This variant is considered likely benign or benign based on one or more of the following criteria: it is a conservative change, it occurs at a poorly conserved position in the protein, it is predicted to be benign by multiple in silico algorithms, and/or has population frequency not consistent with disease.

Clinical Genetics DNA and cytogenetics Diagnostics Lab, Erasmus MC, Erasmus Medical Center
Classification: Benign. Review status: no assertion criteria provided. Collection method: clinical testing. Allele origin: germline. Affected: yes. Study: VKGL Data-share Consensus. Not counted in ClinVar's aggregate classification.

Clinical Genetics, Academic Medical Center
Classification: Benign. Review status: no assertion criteria provided. Collection method: clinical testing. Allele origin: germline. Affected: yes. Study: VKGL Data-share Consensus. Not counted in ClinVar's aggregate classification.

Diagnostic Laboratory, Department of Genetics, University Medical Center Groningen
Classification: Likely benign. Review status: no assertion criteria provided. Collection method: clinical testing. Allele origin: germline. Affected: yes. Study: VKGL Data-share Consensus. Not counted in ClinVar's aggregate classification.